The following is an entry in ClinVar:

NM_000057.4(BLM):c.1907C>G (p.Ser636Cys)

Gene: BLM (BLM RecQ like helicase; plus strand). Cytogenetic location: 15q26.1.
Variant type: single nucleotide variant.
Coding change: c.1907C>G on transcript NM_000057.4 (MANE Select); coding-DNA position 1907, C replaced by G.
Protein change: p.Ser636Cys; replaces serine 636 with cysteine.
Molecular consequence: missense variant.
Genome position (GRCh38, 1-based): chr15:90,762,990, C>G. VCF-style: chr15-90762990-C-G. GRCh37 (hg19) VCF-style: chr15-91306220-C-G.
Other names: c.1907C>G, p.Ser636Cys (NM_001287246.2, NM_001287247.2); c.782C>G, p.Ser261Cys (NM_001287248.2); short protein forms S261C, S636C.
Identifiers: ClinVar variation 663929 (VCV000663929.13), dbSNP rs1596232081, ClinGen allele CA393844116.

ClinVar aggregate classification (germline): Uncertain significance. Review status: criteria provided, multiple submitters, no conflicts (2 of 4 stars). 2 submissions from 2 submitters: Uncertain significance (2). Last evaluated 2022-02-03.

Conditions:
Hereditary cancer-predisposing syndrome. Also called: Neoplastic Syndromes, Hereditary; Tumor predisposition; Hereditary neoplastic syndrome; Hereditary Cancer Syndrome. Identifiers: Orphanet 140162, MedGen C0027672, MeSH D009386, MONDO:0015356.
Bloom syndrome (BLM). Also called: Bloom-Torre-Machacek syndrome. Identifiers: Orphanet 125, MedGen C0005859, MONDO:0008876, OMIM 210900.

Submissions (2):

Labcorp Genetics (formerly Invitae), Labcorp
Classification: Uncertain significance for Bloom syndrome. Last evaluated: 2022-02-03. Review status: criteria provided, single submitter. Criteria: Invitae Variant Classification Sherloc (09022015). Collection method: clinical testing. Allele origin: germline.
Comment: This sequence change replaces serine, which is neutral and polar, with cysteine, which is neutral and slightly polar, at codon 636 of the BLM protein (p.Ser636Cys). This variant is not present in population databases (gnomAD no frequency). This variant has not been reported in the literature in individuals affected with BLM-related conditions. ClinVar contains an entry for this variant (Variation ID: 663929). Algorithms developed to predict the effect of missense changes on protein structure and function are either unavailable or do not agree on the potential impact of this missense change (SIFT: "Tolerated"; PolyPhen-2: "Possibly Damaging"; Align-GVGD: "Class C0"). In summary, the available evidence is currently insufficient to determine the role of this variant in disease. Therefore, it has been classified as a Variant of Uncertain Significance.

Ambry Genetics
Classification: Uncertain significance for Hereditary cancer-predisposing syndrome. Last evaluated: 2018-03-05. Review status: criteria provided, single submitter. Criteria: Ambry Variant Classification Scheme 2023. Collection method: clinical testing. Allele origin: germline.
Comment: The p.S636C variant (also known as c.1907C>G), located in coding exon 7 of the BLM gene, results from a C to G substitution at nucleotide position 1907. The serine at codon 636 is replaced by cysteine, an amino acid with dissimilar properties. This amino acid position is not well conserved in available vertebrate species. In addition, this alteration is predicted to be tolerated by in silico analysis. Since supporting evidence is limited at this time, the clinical significance of this alteration remains unclear.